The following is an entry in ClinVar:

NM_012472.6(DNAAF11):c.272C>A (p.Ala91Glu)

Gene: DNAAF11 (dynein axonemal assembly factor 11; minus strand). Cytogenetic location: 8q24.22.
Variant type: single nucleotide variant.
Coding change: c.272C>A on transcript NM_012472.6 (MANE Select); coding-DNA position 272, C replaced by A.
Protein change: p.Ala91Glu; replaces alanine 91 with glutamic acid.
Molecular consequence: missense variant. On other transcripts: 5 prime UTR variant (4), non-coding transcript variant (10).
Genome position (GRCh38, 1-based): chr8:132,638,092, G>T on the plus strand (C>A on the coding strand, the complement: DNAAF11 is on the minus strand). VCF-style: chr8-132638092-G-T. GRCh37 (hg19) VCF-style: chr8-133650338-G-T.
Other names: c.272C>A, p.Ala91Glu (NM_001321961.2); c.26C>A, p.Ala9Glu (NM_001321962.2); c.-89C>A (NM_001321963.2, NM_001321964.2, NM_001321965.2 and 1 more transcripts); short protein forms A91E, A9E.
Identifiers: ClinVar variation 2048125 (VCV002048125.1), dbSNP rs770211764, ClinGen allele CA372295803.

ClinVar aggregate classification (germline): Uncertain significance (1 of 4 stars; one submission).

Conditions:
Primary ciliary dyskinesia 19. Also called: CILIARY DYSKINESIA, PRIMARY, 19, WITH OR WITHOUT SITUS INVERSUS. Identifiers: Orphanet 244, MedGen C3543826, MONDO:0013979, OMIM 614935.

Submission:

Labcorp Genetics (formerly Invitae), Labcorp
Classification: Uncertain significance for Primary ciliary dyskinesia 19. Last evaluated: 2021-12-19. Review status: criteria provided, single submitter. Criteria: Invitae Variant Classification Sherloc (09022015). Collection method: clinical testing. Allele origin: germline.
Comment: This sequence change replaces alanine, which is neutral and non-polar, with glutamic acid, which is acidic and polar, at codon 91 of the LRRC6 protein (p.Ala91Glu). This variant is not present in population databases (gnomAD no frequency). This variant has not been reported in the literature in individuals affected with LRRC6-related conditions. Algorithms developed to predict the effect of missense changes on protein structure and function output the following: SIFT: "Tolerated"; PolyPhen-2: "Benign"; Align-GVGD: "Class C0". The glutamic acid amino acid residue is found in multiple mammalian species, which suggests that this missense change does not adversely affect protein function. In summary, the available evidence is currently insufficient to determine the role of this variant in disease. Therefore, it has been classified as a Variant of Uncertain Significance.